The following is an entry in ClinVar:

ClinVar aggregate classification (germline): Uncertain significance. Review status: criteria provided, multiple submitters, no conflicts (2 of 4 stars). 4 submissions from 4 submitters: Uncertain significance (4). Last evaluated 2026-06-07.

Conditions:
Inborn genetic diseases. Identifiers: MedGen C0950123, MeSH D030342.

gnomAD v4.1: 20 of 1,612,940 alleles (0.0012%); highest among the groups gnomAD compares: Middle Eastern, 0.017%; no homozygotes.

Submissions (4):

Revvity Omics, Revvity
Classification: Uncertain significance. Last evaluated: 2026-06-07. Review status: criteria provided, single submitter. Criteria: ACMG Guidelines, 2015. Collection method: clinical testing. Allele origin: germline.

Women's Health and Genetics/Laboratory Corporation of America, LabCorp
Classification: Uncertain significance. Last evaluated: 2025-12-02. Review status: criteria provided, single submitter. Criteria: LabCorp Variant Classification Summary - May 2015. Collection method: clinical testing. Allele origin: germline.
Comment: Variant summary: CNNM2 c.2143G>A (p.Val715Met) results in a conservative amino acid change in the encoded protein sequence. Algorithms developed to predict the effect of missense changes on protein structure and function are either unavailable or do not agree on the potential impact of this missense change. The variant allele was found at a frequency of 1.6e-05 in 246982 control chromosomes. The available data on variant occurrences in the general population are insufficient to allow any conclusion about variant significance. To our knowledge, no occurrence of c.2143G>A in individuals affected with CNNM2-related conditions and no experimental evidence demonstrating its impact on protein function have been reported. ClinVar contains an entry for this variant (Variation ID: 3494420). Based on the evidence outlined above, the variant was classified as uncertain significance.

Labcorp Genetics (formerly Invitae), Labcorp
Classification: Uncertain significance. Last evaluated: 2025-11-17. Review status: criteria provided, single submitter. Criteria: Invitae Variant Classification Sherloc (09022015). Collection method: clinical testing. Allele origin: germline.
Comment: This sequence change replaces valine, which is neutral and non-polar, with methionine, which is neutral and non-polar, at codon 715 of the CNNM2 protein (p.Val715Met). This variant is present in population databases (rs768183987, gnomAD 0.01%). This variant has not been reported in the literature in individuals affected with CNNM2-related conditions. ClinVar contains an entry for this variant (Variation ID: 3494420). Invitae Evidence Modeling of protein sequence and biophysical properties (such as structural, functional, and spatial information, amino acid conservation, physicochemical variation, residue mobility, and thermodynamic stability) indicates that this missense variant is not expected to disrupt CNNM2 protein function with a negative predictive value of 80%. In summary, the available evidence is currently insufficient to determine the role of this variant in disease. Therefore, it has been classified as a Variant of Uncertain Significance.

Ambry Genetics
Classification: Uncertain significance for Inborn genetic diseases. Last evaluated: 2024-12-10. Review status: criteria provided, single submitter. Criteria: Ambry Variant Classification Scheme 2023. Collection method: clinical testing. Allele origin: germline.

NM_017649.5(CNNM2):c.2143G>A (p.Val715Met)

Gene: CNNM2 (cyclin and CBS domain divalent metal cation transport mediator 2; plus strand). Cytogenetic location: 10q24.32.
Variant type: single nucleotide variant.
Coding change: c.2143G>A on transcript NM_017649.5 (MANE Select); coding-DNA position 2143, G replaced by A.
Protein change: p.Val715Met; replaces valine 715 with methionine.
Molecular consequence: missense variant.
Genome position (GRCh38, 1-based): chr10:103,068,698, G>A. VCF-style: chr10-103068698-G-A. GRCh37 (hg19) VCF-style: chr10-104828455-G-A.
Other names: c.2143G>A, p.Val715Met (NM_199076.3); c.2143G>A (NM_017649.4); short protein forms V715M.
Identifiers: ClinVar variation 3494420 (VCV003494420.4).